The following is an entry in ClinVar:

ClinVar aggregate classification (germline): Uncertain significance (1 of 4 stars; one submission).

Conditions:
Hereditary cancer-predisposing syndrome. Also called: Neoplastic Syndromes, Hereditary; Hereditary Cancer Syndrome; Hereditary neoplastic syndrome; Tumor predisposition. Identifiers: Orphanet 140162, MedGen C0027672, MeSH D009386, MONDO:0015356.

Submission:

Ambry Genetics
Classification: Uncertain significance for Hereditary cancer-predisposing syndrome. Last evaluated: 2023-03-22. Review status: criteria provided, single submitter. Criteria: Ambry Variant Classification Scheme 2023. Collection method: clinical testing. Allele origin: germline.
Comment: The p.L764P variant (also known as c.2291T>C), located in coding exon 20 of the TSC2 gene, results from a T to C substitution at nucleotide position 2291. The leucine at codon 764 is replaced by proline, an amino acid with similar properties. This amino acid position is conserved. In addition, this alteration is predicted to be deleterious by in silico analysis. Since supporting evidence is limited at this time, the clinical significance of this alteration remains unclear.

NM_000548.5(TSC2):c.2291T>C (p.Leu764Pro)

Gene: TSC2 (TSC complex subunit 2; plus strand). Cytogenetic location: 16p13.3.
Variant type: single nucleotide variant.
Coding change: c.2291T>C on transcript NM_000548.5 (MANE Select); coding-DNA position 2291, T replaced by C.
Protein change: p.Leu764Pro; replaces leucine 764 with proline.
Molecular consequence: missense variant. On other transcripts: non-coding transcript variant (5).
Genome position (GRCh38, 1-based): chr16:2,072,919, T>C. VCF-style: chr16-2072919-T-C. GRCh37 (hg19) VCF-style: chr16-2122920-T-C.
Other names: c.2291T>C, p.Leu764Pro (NM_001077183.3, NM_001114382.3, NM_001363528.2 and 6 more transcripts); c.2180T>C, p.Leu727Pro (NM_001318827.2, NM_001406670.1, NM_001406678.1); c.2144T>C, p.Leu715Pro (NM_001318829.2, NM_001406675.1, NM_001406676.1 and 1 more transcripts); c.1691T>C, p.Leu564Pro (NM_001318831.2, NM_001406680.1, NM_001406682.1 and 6 more transcripts); c.2324T>C, p.Leu775Pro (NM_001318832.2); c.2381T>C, p.Leu794Pro (NM_001406667.1, NM_001406668.1); c.2279T>C, p.Leu760Pro (NM_001406671.1, NM_001406673.1); c.2234T>C, p.Leu745Pro (NM_001406677.1); and 3 more; short protein forms L564P, L610P, L775P, L316P, L794P, L715P, L727P, L230P.
Identifiers: ClinVar variation 2564623 (VCV002564623.2), dbSNP rs2543765855, ClinGen allele CA394276593.
Genomic context (GRCh38, chr16:2,072,919, plus strand): 5'-CAAAGACACTGGAGCGGCTCCGAGGCGCCCCAGAAGGCTTCTCCAGAACTGACTTGCACC[T>C]GGCCGTGGTTCCAGTGCTGACAGCATTAATCTCTTACCATAACTACCTGGACAAAACCAA-3'
Protein context (NP_000539.2, residues 754-774): PEGFSRTDLH[Leu764Pro]AVVPVLTALI